The following is an entry in ClinVar:

NM_001374828.1(ARID1B):c.6873dup (p.Met2292fs)

Gene: ARID1B (AT-rich interaction domain 1B; plus strand). Cytogenetic location: 6q25.3.
Variant type: Duplication.
Coding change: c.6873dup on transcript NM_001374828.1 (MANE Select); coding-DNA position 6873, one base duplicated (G; older notation c.6873dupG).
Protein change: p.Met2292fs; shifts the reading frame from methionine 2292.
Molecular consequence: frameshift variant.
Genome position (GRCh38, 1-based): chr6:157,207,645, G duplicated. VCF-style (leftmost placement, unchanged base first): chr6-157207644-C-CG. GRCh37 (hg19) VCF-style: chr6-157528778-C-CG.
Other names: c.4374dup, p.Met1459fs (NM_001363725.2); c.6753dup, p.Met2252fs (NM_001371656.1, NM_001374820.1); c.6714dup, p.Met2239fs (NM_017519.3); short protein forms M1459fs, M2239fs, M2252fs, M2292fs.
Identifiers: ClinVar variation 1687160 (VCV001687160.1), dbSNP rs2128398868, ClinGen allele CA2573140710.

ClinVar aggregate classification (germline): Likely pathogenic (1 of 4 stars; one submission).

Conditions:
Coffin-Siris syndrome 1 (CSS1). Also called: Mental retardation, autosomal dominant 12; ARID1B-Related Coffin-Siris Syndrome. Identifiers: Orphanet 1465, MedGen C3281201, MONDO:0007617, OMIM 135900. Disease mechanism: gain of function.

Submission:

3billion
Classification: Likely pathogenic for Coffin-Siris syndrome 1. Last evaluated: 2022-05-22. Review status: criteria provided, single submitter. Criteria: ACMG Guidelines, 2015. Collection method: clinical testing. Allele origin: germline. Affected: yes. Observed: 1 heterozygote.
Comment: The variant is not observed in the gnomAD v2.1.1 dataset. Frameshift: predicted to result in a loss or disruption of normal protein function through protein truncation. Multiple pathogenic variants are reported in the predicted truncated region. Therefore, this variant is classified as likely pathogenic according to the recommendation of ACMG/AMP guideline.